The following is an entry in ClinVar:

ClinVar aggregate classification (germline): Uncertain significance. Review status: criteria provided, multiple submitters, no conflicts (2 of 4 stars). 2 submissions from 2 submitters: Uncertain significance (2). Last evaluated 2022-07-01.

Conditions:
Inborn genetic diseases. Identifiers: MedGen C0950123, MeSH D030342.

Allele frequency attached by ClinVar (database versions not stated): gnomAD 0.00001; gnomAD exomes 0.00001.
gnomAD v4.1: 19 of 1,551,518 alleles (0.0012%); highest among the groups gnomAD compares: Middle Eastern, 0.017%; no homozygotes.

Submissions (2):

GeneDx
Classification: Uncertain significance. Last evaluated: 2022-07-01. Review status: criteria provided, single submitter. Criteria: GeneDx Variant Classification Process June 2021. Collection method: clinical testing. Allele origin: germline. Affected: yes.
Comment: In silico analysis supports that this missense variant has a deleterious effect on protein structure/function; Has not been previously published as pathogenic or benign to our knowledge

Ambry Genetics
Classification: Uncertain significance for Inborn genetic diseases. Last evaluated: 2022-05-18. Review status: criteria provided, single submitter. Criteria: Ambry Variant Classification Scheme 2023. Collection method: clinical testing. Allele origin: germline.

NM_020928.2(ZSWIM6):c.2218C>T (p.Arg740Cys)

Gene: ZSWIM6 (zinc finger SWIM-type containing 6; plus strand). Cytogenetic location: 5q12.1.
Variant type: single nucleotide variant.
Coding change: c.2218C>T on transcript NM_020928.2 (MANE Select); coding-DNA position 2218, C replaced by T.
Protein change: p.Arg740Cys; replaces arginine 740 with cysteine.
Molecular consequence: missense variant.
Genome position (GRCh38, 1-based): chr5:61,531,698, C>T. VCF-style: chr5-61531698-C-T. GRCh37 (hg19) VCF-style: chr5-60827525-C-T.
Other names: short protein forms R740C.
Identifiers: ClinVar variation 1810002 (VCV001810002.4), dbSNP rs1188160859, ClinGen allele CA359944850.